The following is an entry in ClinVar:

NM_001267727.2(ARSG):c.976C>T (p.Arg326Cys)

Gene: ARSG (arylsulfatase G; plus strand). Cytogenetic location: 17q24.2.
Variant type: single nucleotide variant.
Coding change: c.976C>T on transcript NM_001267727.2 (MANE Select); coding-DNA position 976, C replaced by T.
Protein change: p.Arg326Cys; replaces arginine 326 with cysteine.
Molecular consequence: missense variant.
Genome position (GRCh38, 1-based): chr17:68,370,518, C>T. VCF-style: chr17-68370518-C-T. GRCh37 (hg19) VCF-style: chr17-66366659-C-T.
Other names: c.976C>T, p.Arg326Cys (NM_001352899.2, NM_001352900.2, NM_001352901.2 and 3 more transcripts); c.973C>T, p.Arg325Cys (NM_001352903.2, NM_001352904.2, NM_001352905.2 and 2 more transcripts); c.928C>T, p.Arg310Cys (NM_001352909.2); short protein forms R310C, R326C, R325C.
Identifiers: ClinVar variation 957008 (VCV000957008.8), dbSNP rs144503106, ClinGen allele CA8728414.

ClinVar aggregate classification (germline): Uncertain significance (1 of 4 stars; one submission).

Allele frequency attached by ClinVar (database versions not stated): 1000 Genomes Project 30x 0.00031; 1000 Genomes Project 0.00040.
gnomAD v4.1: 30 of 1,613,796 alleles (0.0019%); highest among the groups gnomAD compares: South Asian, 0.0099%; no homozygotes.

Submission:

Labcorp Genetics (formerly Invitae), Labcorp
Classification: Uncertain significance. Last evaluated: 2023-11-27. Review status: criteria provided, single submitter. Criteria: Invitae Variant Classification Sherloc (09022015). Collection method: clinical testing. Allele origin: germline.
Comment: This sequence change replaces arginine, which is basic and polar, with cysteine, which is neutral and slightly polar, at codon 326 of the ARSG protein (p.Arg326Cys). This variant is present in population databases (rs144503106, gnomAD 0.02%). This variant has not been reported in the literature in individuals affected with ARSG-related conditions. ClinVar contains an entry for this variant (Variation ID: 957008). An algorithm developed to predict the effect of missense changes on protein structure and function (PolyPhen-2) suggests that this variant is likely to be disruptive. In summary, the available evidence is currently insufficient to determine the role of this variant in disease. Therefore, it has been classified as a Variant of Uncertain Significance.